The following is an entry in ClinVar:

NM_000051.4(ATM):c.4243T>C (p.Tyr1415His)

Gene: ATM (ATM serine/threonine kinase; plus strand). Cytogenetic location: 11q22.3.
Variant type: single nucleotide variant.
Coding change: c.4243T>C on transcript NM_000051.4 (MANE Select); coding-DNA position 4243, T replaced by C.
Protein change: p.Tyr1415His; replaces tyrosine 1415 with histidine.
Molecular consequence: missense variant.
Genome position (GRCh38, 1-based): chr11:108,289,608, T>C. VCF-style: chr11-108289608-T-C. GRCh37 (hg19) VCF-style: chr11-108160335-T-C.
Other names: c.4243T>C, p.Tyr1415His (NM_001351834.2); short protein forms Y1415H.
Identifiers: ClinVar variation 3803193 (VCV003803193.2).
Genomic context (GRCh38, chr11:108,289,608, plus strand): 5'-TTGTAGCCGAGTATCTAATTAAACAAGTTTTTACTAAATCTGTTTATTTTCTAGGATTCC[T>C]ATCAGAAAATTCTTCTTGCCATATGTGAGCAAGCAGCTGAAACAAATAATGTTTATAAGA-3'
Protein context (NP_000042.3, residues 1405-1425): LEILSKSPDS[Tyr1415His]QKILLAICEQ

ClinVar aggregate classification (germline): Uncertain significance. Review status: criteria provided, multiple submitters, no conflicts (2 of 4 stars). 2 submissions from 2 submitters: Uncertain significance (2). Last evaluated 2025-04-08.

Conditions:
Hereditary cancer-predisposing syndrome. Also called: Hereditary Cancer Syndrome; Hereditary neoplastic syndrome; Tumor predisposition; Neoplastic Syndromes, Hereditary. Identifiers: Orphanet 140162, MedGen C0027672, MeSH D009386, MONDO:0015356.
Ataxia-telangiectasia syndrome (AT). Also called: Ataxia-telangiectasia; ATAXIA-TELANGIECTASIA, FRESNO VARIANT; Ataxia-telangiectasia, complementation group E; ATAXIA-TELANGIECTASIA, COMPLEMENTATION GROUP A; Ataxia telangiectasia (A-T); Cerebello-oculocutaneous telangiectasia. Identifiers: Orphanet 100, MedGen C0004135, MONDO:0008840, OMIM 208900.

Submissions (2):

Labcorp Genetics (formerly Invitae), Labcorp
Classification: Uncertain significance for Ataxia-telangiectasia syndrome. Last evaluated: 2025-04-08. Review status: criteria provided, single submitter. Criteria: Invitae Variant Classification Sherloc (09022015). Collection method: clinical testing. Allele origin: germline.
Comment: This sequence change replaces tyrosine, which is neutral and polar, with histidine, which is basic and polar, at codon 1415 of the ATM protein (p.Tyr1415His). This variant is not present in population databases (gnomAD no frequency). This variant has not been reported in the literature in individuals affected with ATM-related conditions. Invitae Evidence Modeling of protein sequence and biophysical properties (such as structural, functional, and spatial information, amino acid conservation, physicochemical variation, residue mobility, and thermodynamic stability) indicates that this missense variant is not expected to disrupt ATM protein function with a negative predictive value of 95%. In summary, the available evidence is currently insufficient to determine the role of this variant in disease. Therefore, it has been classified as a Variant of Uncertain Significance.

Ambry Genetics
Classification: Uncertain significance for Hereditary cancer-predisposing syndrome. Last evaluated: 2025-03-10. Review status: criteria provided, single submitter. Criteria: Ambry Variant Classification Scheme 2023. Collection method: clinical testing. Allele origin: germline.
Comment: The p.Y1415H variant (also known as c.4243T>C), located in coding exon 28 of the ATM gene, results from a T to C substitution at nucleotide position 4243. The tyrosine at codon 1415 is replaced by histidine, an amino acid with similar properties. This amino acid position is conserved. In addition, the in silico prediction for this alteration is inconclusive. Based on the available evidence, the clinical significance of this variant remains unclear.